The following is an entry in ClinVar:

NM_001453.3(FOXC1):c.793_1196dup (p.Ala399_Met400insAlaAlaCysProAlaGlyAlaAlaProArgAlaAlaCysArgArgArgGlyArgSerAlaTrpThrValArgIleProArgArgArgArgProArgProProProArgArgArgThrIleAlaArgAlaSerAlaTrpThrThrSerTer)

Gene: FOXC1 (forkhead box C1; plus strand). Cytogenetic location: 6p25.3.
Variant type: Duplication.
Coding change: c.793_1196dup on transcript NM_001453.3 (MANE Select); coding-DNA positions 793 to 1196, 404 bases duplicated.
Protein change: p.Ala399_Met400insAlaAlaCysProAlaGlyAlaAlaProArgAlaAlaCysArgArgArgGlyArgSerAlaTrpThrValArgIleProArgArgArgArgProArgProProProArgArgArgThrIleAlaArgAlaSerAlaTrpThrThrSerTer.
Molecular consequence: nonsense, inframe insertion.
Genome position (GRCh38, 1-based): chr6:1,611,238-1,611,641, 404 bases duplicated. GRCh37 (hg19): chr6:1,611,473-1,611,876.
Identifiers: ClinVar variation 2034016 (VCV002034016.4), dbSNP rs2480504227, ClinGen allele CA2580074196.

ClinVar aggregate classification (germline): Pathogenic (1 of 4 stars; one submission).

Conditions:
Axenfeld-Rieger syndrome type 3 (RIEG3). Also called: AXENFELD-RIEGER ANOMALY WITH CARDIAC DEFECTS AND/OR SENSORINEURAL HEARING LOSS. Identifiers: Orphanet 782, MedGen C2678503, MONDO:0011233, OMIM 602482.

Submission:

Labcorp Genetics (formerly Invitae), Labcorp
Classification: Pathogenic for Axenfeld-Rieger syndrome type 3. Last evaluated: 2021-12-05. Review status: criteria provided, single submitter. Criteria: Invitae Variant Classification Sherloc (09022015). Collection method: clinical testing. Allele origin: germline.
Comment: This sequence change creates a premature translational stop signal (p.Met400Alafs*50) in the FOXC1 gene. While this is not anticipated to result in nonsense mediated decay, it is expected to disrupt the last 154 amino acid(s) of the FOXC1 protein. This variant is not present in population databases (gnomAD no frequency). This variant has not been reported in the literature in individuals affected with FOXC1-related conditions. This variant disrupts a region of the FOXC1 protein in which other variant(s) (p.Gln467*) have been determined to be pathogenic (PMID: 32499604; Invitae). This suggests that this is a clinically significant region of the protein, and that variants that disrupt it are likely to be disease-causing. For these reasons, this variant has been classified as Pathogenic.

Literature cited by the submitters: PubMed 32499604.